The following is an entry in ClinVar:

ClinVar aggregate classification (germline): Uncertain significance (1 of 4 stars; one submission).

Conditions:
Neurofibromatosis, type 1 (NF1). Also called: VON RECKLINGHAUSEN DISEASE; Neurofibromatosis, type I; NEUROFIBROMATOSIS, TYPE I, SOMATIC; Peripheral type neurofibromatosis. Identifiers: Orphanet 636, MedGen C0027831, MONDO:0018975, OMIM 162200. Disease mechanism: loss of function.

Submission:

Labcorp Genetics (formerly Invitae), Labcorp
Classification: Uncertain significance for Neurofibromatosis, type 1. Last evaluated: 2025-05-13. Review status: criteria provided, single submitter. Criteria: Invitae Variant Classification Sherloc (09022015). Collection method: clinical testing. Allele origin: germline.
Comment: This sequence change replaces proline, which is neutral and non-polar, with leucine, which is neutral and non-polar, at codon 769 of the NF1 protein (p.Pro769Leu). This variant is not present in population databases (gnomAD no frequency). This variant has not been reported in the literature in individuals affected with NF1-related conditions. Invitae Evidence Modeling of protein sequence and biophysical properties (such as structural, functional, and spatial information, amino acid conservation, physicochemical variation, residue mobility, and thermodynamic stability) indicates that this missense variant is expected to disrupt NF1 protein function with a positive predictive value of 95%. In summary, the available evidence is currently insufficient to determine the role of this variant in disease. Therefore, it has been classified as a Variant of Uncertain Significance.

NM_001042492.3(NF1):c.2306C>T (p.Pro769Leu)

Gene: NF1 (neurofibromin 1; plus strand). Cytogenetic location: 17q11.2.
Variant type: single nucleotide variant.
Coding change: c.2306C>T on transcript NM_001042492.3 (MANE Select); coding-DNA position 2306, C replaced by T.
Protein change: p.Pro769Leu; replaces proline 769 with leucine.
Molecular consequence: missense variant.
Genome position (GRCh38, 1-based): chr17:31,227,272, C>T. VCF-style: chr17-31227272-C-T. GRCh37 (hg19) VCF-style: chr17-29554290-C-T.
Other names: c.2306C>T, p.Pro769Leu (NM_000267.4); short protein forms P769L.
Identifiers: ClinVar variation 4800731 (VCV004800731.1).